The following is an entry in ClinVar:

ClinVar aggregate classification (germline): Pathogenic (0 of 4 stars; one submission).

Conditions:
Persistent Mullerian duct syndrome (PMDS). Also called: FEMALE GENITAL DUCTS IN OTHERWISE NORMAL MALE; PERSISTENT OVIDUCT SYNDROME; PSEUDOHERMAPHRODITISM, MALE INTERNAL; PERSISTENT MULLERIAN DUCT SYNDROME, TYPES I AND II; HERNIA UTERI INGUINALE. Identifiers: Orphanet 2856, MedGen C1849930, MONDO:0009857, OMIM 261550.

Allele frequency attached by ClinVar (database versions not stated): gnomAD exomes below 0.00001.

Submission:

Pediatric Endocrinology Clinic, Ege University School of Medicine
Classification: Pathogenic for Persistent Mullerian duct syndrome. Review status: no assertion criteria provided. Collection method: clinical testing. Allele origin: unknown. Inheritance: Autosomal recessive inheritance. Affected: yes. Observed: 1 homozygote.
Comment: We report two brothers. Both of them were admitted with unpalpabl testis, undetectable AMH levels, and presence of uterus in USG.

NM_000479.5(AMH):c.563G>A (p.Cys188Tyr)

Genes: AMH (anti-Mullerian hormone; plus strand), MIR4321 (microRNA 4321; plus strand), LOC130063038 (ATAC-STARR-seq lymphoblastoid silent region 9776; plus strand). Cytogenetic location: 19p13.3.
Variant type: single nucleotide variant.
Coding change: c.563G>A on transcript NM_000479.5 (MANE Select); coding-DNA position 563, G replaced by A.
Protein change: p.Cys188Tyr; replaces cysteine 188 with tyrosine.
Molecular consequence: missense variant. On other transcripts: non-coding transcript variant (1).
Genome position (GRCh38, 1-based): chr19:2,250,659, G>A. VCF-style: chr19-2250659-G-A. GRCh37 (hg19) VCF-style: chr19-2250658-G-A.
Other names: short protein forms C188Y.
Identifiers: ClinVar variation 987678 (VCV000987678.2), dbSNP rs2025018868, ClinGen allele CA403240249.